The following is an entry in ClinVar:

ClinVar aggregate classification (germline): Uncertain significance. Review status: criteria provided, multiple submitters, no conflicts (2 of 4 stars). 3 submissions from 3 submitters: Uncertain significance (3). Last evaluated 2026-08-04.

Allele frequency attached by ClinVar (database versions not stated): gnomAD exomes 0.00001 and below 0.00001; gnomAD 0.00002; TOPMed 0.00002; ESP Exome Variant Server 0.00009; ExAC 0.00001.
gnomAD v4.1: 5 of 1,208,594 alleles (0.00041%); highest among the groups gnomAD compares: Non-Finnish European, 0.00056%; no homozygotes.

Submissions (3):

Ambry Genetics
Classification: Uncertain significance. Last evaluated: 2026-08-04. Review status: criteria provided, single submitter. Criteria: Ambry Variant Classification Scheme 2023. Collection method: clinical testing. Allele origin: germline.
Comment: The c.911G>T (p.G304V) alteration is located in exon 3 (coding exon 2) of the KIAA2022 gene. This alteration results from a G to T substitution at nucleotide position 911, causing the glycine (G) at amino acid position 304 to be replaced by a valine (V). Based on data from gnomAD, the T allele has an overall frequency of <0.001% (1/183034) total alleles studied. The highest observed frequency was 0.001% (1/81531) of European (non-Finnish) alleles. Based on insufficient or conflicting evidence, the clinical significance of this alteration remains unclear.

Labcorp Genetics (formerly Invitae), Labcorp
Classification: Uncertain significance. Last evaluated: 2023-01-19. Review status: criteria provided, single submitter. Criteria: Invitae Variant Classification Sherloc (09022015). Collection method: clinical testing. Allele origin: germline.
Comment: This variant has not been reported in the literature in individuals affected with NEXMIF-related conditions. ClinVar contains an entry for this variant (Variation ID: 574203). Algorithms developed to predict the effect of missense changes on protein structure and function are either unavailable or do not agree on the potential impact of this missense change (SIFT: "Deleterious"; PolyPhen-2: "Probably Damaging"; Align-GVGD: "Class C15"). In summary, the available evidence is currently insufficient to determine the role of this variant in disease. Therefore, it has been classified as a Variant of Uncertain Significance. This variant is present in population databases (rs376455886, gnomAD 0.001%). This sequence change replaces glycine, which is neutral and non-polar, with valine, which is neutral and non-polar, at codon 304 of the NEXMIF protein (p.Gly304Val).

GeneDx
Classification: Uncertain significance. Last evaluated: 2019-03-26. Review status: criteria provided, single submitter. Criteria: GeneDx Variant Classification Process June 2021. Collection method: clinical testing. Allele origin: germline. Affected: yes.
Comment: In silico analysis, which includes protein predictors and evolutionary conservation, supports a deleterious effect; Has not been previously published as pathogenic or benign to our knowledge

NM_001008537.3(NEXMIF):c.911G>T (p.Gly304Val)

Gene: NEXMIF (neurite extension and migration factor; minus strand). Cytogenetic location: Xq13.3.
Variant type: single nucleotide variant.
Coding change: c.911G>T on transcript NM_001008537.3 (MANE Select); coding-DNA position 911, G replaced by T.
Protein change: p.Gly304Val; replaces glycine 304 with valine.
Molecular consequence: missense variant.
Genome position (GRCh38, 1-based): chrX:74,743,646, C>A on the plus strand (G>T on the coding strand, the complement: NEXMIF is on the minus strand). VCF-style: chrX-74743646-C-A. GRCh37 (hg19) VCF-style: chrX-73963481-C-A.
Other names: short protein forms G304V.
Identifiers: ClinVar variation 574203 (VCV000574203.12), dbSNP rs376455886, ClinGen allele CA10455168.